The following is an entry in ClinVar:

ClinVar aggregate classification (germline): Uncertain significance (1 of 4 stars; one submission).

Conditions:
Axenfeld-Rieger syndrome type 3 (RIEG3). Also called: AXENFELD-RIEGER ANOMALY WITH CARDIAC DEFECTS AND/OR SENSORINEURAL HEARING LOSS. Identifiers: Orphanet 782, MedGen C2678503, MONDO:0011233, OMIM 602482.

Submission:

Labcorp Genetics (formerly Invitae), Labcorp
Classification: Uncertain significance for Axenfeld-Rieger syndrome type 3. Last evaluated: 2022-06-13. Review status: criteria provided, single submitter. Criteria: Invitae Variant Classification Sherloc (09022015). Collection method: clinical testing. Allele origin: germline.
Comment: This variant is not present in population databases (gnomAD no frequency). This variant, c.740_754del, results in the deletion of 5 amino acid(s) of the FOXC1 protein (p.Gly247_Ala251del), but otherwise preserves the integrity of the reading frame. This variant has not been reported in the literature in individuals affected with FOXC1-related conditions. Experimental studies and prediction algorithms are not available or were not evaluated, and the functional significance of this variant is currently unknown. In summary, the available evidence is currently insufficient to determine the role of this variant in disease. Therefore, it has been classified as a Variant of Uncertain Significance.

NM_001453.3(FOXC1):c.740_754del (p.Gly247_Ala251del)

Gene: FOXC1 (forkhead box C1; plus strand). Cytogenetic location: 6p25.3.
Variant type: Deletion.
Coding change: c.740_754del on transcript NM_001453.3 (MANE Select); coding-DNA positions 740 to 754, 15 bases deleted (GCAGCGGCAGCGCCG).
Protein change: p.Gly247_Ala251del.
Molecular consequence: inframe deletion.
Genome position (GRCh38, 1-based): chr6:1,611,185-1,611,199, GCAGCGGCAGCGCCG deleted; deleting any 15 consecutive bases within chr6:1,611,184-1,611,199 gives the same sequence; the c. name uses the placement nearest the transcript's 3' end. VCF-style (leftmost placement, unchanged base first): chr6-1611183-GGGCAGCGGCAGCGCC-G. GRCh37 (hg19) VCF-style: chr6-1611418-GGGCAGCGGCAGCGCC-G.
Identifiers: ClinVar variation 2046122 (VCV002046122.4), dbSNP rs1762536418, ClinGen allele CA1605822734.